The following is an entry in ClinVar:

ClinVar aggregate classification (germline): Pathogenic/Likely pathogenic. Review status: criteria provided, multiple submitters, no conflicts (2 of 4 stars). 3 submissions from 3 submitters: Pathogenic (2); Likely pathogenic (1). Last evaluated 2023-07-10.

Conditions:
Bardet-Biedl syndrome 14 (BBS14). Identifiers: Orphanet 110, MedGen C2673874, MONDO:0014442, OMIM 615991.
CEP290-related disorder. Also called: CEP290-related condition; CEP290-related disorders. Identifiers: MedGen CN239314.
Meckel-Gruber syndrome. Also called: DYSENCEPHALIA SPLANCHNOCYSTICA; GRUBER SYNDROME; Dysencephalia splachnocystica. Identifiers: Orphanet 564, MedGen C0265215, MONDO:0018921.
Joubert syndrome. Also called: Familial aplasia of the vermis; JOUBERT-BOLTSHAUSER SYNDROME. Identifiers: Orphanet 475, MedGen C5979921, MONDO:0018772.
Nephronophthisis. Also called: Juvenile Nephronophthisis. Identifiers: Orphanet 655, MedGen C0687120, MONDO:0019005, HP:0000090.

Submissions (3):

Labcorp Genetics (formerly Invitae), Labcorp
Classification: Pathogenic for Joubert syndrome; Meckel-Gruber syndrome; Nephronophthisis. Last evaluated: 2023-07-10. Review status: criteria provided, single submitter. Criteria: Invitae Variant Classification Sherloc (09022015). Collection method: clinical testing. Allele origin: germline.
Comment: This sequence change creates a premature translational stop signal (p.Leu1141Phefs*5) in the CEP290 gene. It is expected to result in an absent or disrupted protein product. Loss-of-function variants in CEP290 are known to be pathogenic (PMID: 16909394, 17345604, 20690115). This variant is present in population databases (rs770474857, gnomAD 0.0009%). This premature translational stop signal has been observed in individual(s) with Leber congenital amaurosis (PMID: 20683928). ClinVar contains an entry for this variant (Variation ID: 954408). For these reasons, this variant has been classified as Pathogenic.

Baylor Genetics
Classification: Pathogenic for Bardet-Biedl syndrome 14. Last evaluated: 2023-05-31. Review status: criteria provided, single submitter. Criteria: ACMG Guidelines, 2015. Collection method: clinical testing. Allele origin: unknown.

Blueprint Genetics
Classification: Likely pathogenic for CEP290-related disorders. Last evaluated: 2022-04-20. Review status: criteria provided, single submitter. Criteria: ACMG Guidelines, 2015. Collection method: clinical testing. Allele origin: germline. Affected: yes. Observed: 1 variant allele.

Literature cited by the submitters: PubMed 16909394 (cited by Labcorp Genetics (formerly Invitae), Labcorp); PubMed 17345604 (cited by Labcorp Genetics (formerly Invitae), Labcorp); PubMed 20690115 (cited by Labcorp Genetics (formerly Invitae), Labcorp); PubMed 20683928 (cited by Labcorp Genetics (formerly Invitae), Labcorp).

NM_025114.4(CEP290):c.3422dup (p.Leu1141fs)

Gene: CEP290 (centrosomal protein 290; minus strand). Cytogenetic location: 12q21.32.
Variant type: Duplication.
Coding change: c.3422dup on transcript NM_025114.4 (MANE Select); coding-DNA position 3422, one base duplicated (T; older notation c.3422dupT).
Protein change: p.Leu1141fs; shifts the reading frame from leucine 1141.
Molecular consequence: frameshift variant.
Genome position (GRCh38, 1-based): chr12:88,092,720, A duplicated on the plus strand (T on the coding strand, the reverse complement: CEP290 is on the minus strand); the first of 2 consecutive A bases (chr12:88,092,720-88,092,721); duplicating either gives the same sequence. VCF-style (leftmost placement, unchanged base first): chr12-88092719-T-TA. GRCh37 (hg19) VCF-style: chr12-88486496-T-TA.
Other names: short protein forms L1141fs.
Identifiers: ClinVar variation 954408 (VCV000954408.12), dbSNP rs770474857, ClinGen allele CA6712145.
Genomic context (GRCh38, chr12:88,092,719, plus strand): 5'-TAAAATGCTTATATGCACTTACTTTGACACTTCAACTTTTAGTTCCATTTCATTCTTCTC[T>TA]AATTCTAGAATCCGTTGCCTATCAGCATCACTTACTGCCTTGCTCACACTATCAGCTAAT-3'